The following is an entry in ClinVar:

ClinVar aggregate classification (germline): Uncertain significance (1 of 4 stars; one submission).

Conditions:
Primary ciliary dyskinesia. Also called: Ciliary dyskinesia. Identifiers: Orphanet 244, MedGen C0008780, MONDO:0016575, HP:0012265.

Allele frequency attached by ClinVar (database versions not stated): TOPMed 0.00001.
gnomAD v4.1: 5 of 1,614,210 alleles (0.00031%); highest among the groups gnomAD compares: Non-Finnish European, 0.00042%; no homozygotes.

Submission:

Labcorp Genetics (formerly Invitae), Labcorp
Classification: Uncertain significance for Primary ciliary dyskinesia. Last evaluated: 2016-10-17. Review status: criteria provided, single submitter. Criteria: Invitae Variant Classification Sherloc (09022015). Collection method: clinical testing. Allele origin: germline.
Comment: This sequence change replaces alanine with serine at codon 233 of the DNAAF5 protein (p.Ala233Ser). The alanine residue is weakly conserved and there is a moderate physicochemical difference between alanine and serine. This variant is not present in population databases (ExAC no frequency) and has not been reported in the literature in individuals with a DNAAF5-related disease. In summary, this variant is a novel missense change that is not predicted to affect protein function. There is no indication that it causes disease, but the available evidence is currently insufficient to prove that conclusively. Therefore, it has been classified as a Variant of Uncertain Significance. Algorithms developed to predict the effect of missense changes on protein structure and function (SIFT, PolyPhen-2, Align-GVGD) all suggest that this variant is likely to be tolerated, but these predictions have not been confirmed by published functional studies.

NM_017802.4(DNAAF5):c.697G>T (p.Ala233Ser)

Gene: DNAAF5 (dynein axonemal assembly factor 5; plus strand). Cytogenetic location: 7p22.3.
Variant type: single nucleotide variant.
Coding change: c.697G>T on transcript NM_017802.4 (MANE Select); coding-DNA position 697, G replaced by T.
Protein change: p.Ala233Ser; replaces alanine 233 with serine.
Molecular consequence: missense variant. On other transcripts: non-coding transcript variant (1).
Genome position (GRCh38, 1-based): chr7:729,764, G>T. VCF-style: chr7-729764-G-T. GRCh37 (hg19) VCF-style: chr7-769401-G-T.
Other names: short protein forms A233S.
Identifiers: ClinVar variation 410300 (VCV000410300.9), dbSNP rs149139347, ClinGen allele CA16612162.